The following is an entry in ClinVar:

NM_001329943.3(KIAA0586):c.411-1381C>T

Gene: KIAA0586 (KIAA0586; plus strand). Cytogenetic location: 14q23.1.
Variant type: single nucleotide variant.
Coding change: c.411-1381C>T on transcript NM_001329943.3 (MANE Select); 1381 bases into the intron before coding-DNA position 411, C replaced by T.
Molecular consequence: intron variant. On other transcripts: missense variant (2).
Genome position (GRCh38, 1-based): chr14:58,441,325, C>T. VCF-style: chr14-58441325-C-T. GRCh37 (hg19) VCF-style: chr14-58908043-C-T.
Other names: c.551C>T, p.Pro184Leu (NM_001244189.2); c.260C>T, p.Pro87Leu (NM_001244192.2); c.366-1381C>T (NM_001244190.2); c.156-1381C>T (NM_001244191.2, NM_001364701.2, NM_001329945.2 and 1 more transcripts); c.411-1381C>T (NM_001329944.2, NM_001329946.2, NM_001329947.2 and 1 more transcripts); c.-10-1381C>T (NM_001244193.2); short protein forms P184L, P87L.
Identifiers: ClinVar variation 1358150 (VCV001358150.8), dbSNP rs749413114, ClinGen allele CA261610338.

ClinVar aggregate classification (germline): Uncertain significance (1 of 4 stars; one submission).

Conditions:
Short-rib thoracic dysplasia 14 with polydactyly (SRTD14). Identifiers: Orphanet 397715, MedGen C4225286, MONDO:0014688, OMIM 616546.
Joubert syndrome 23 (JBTS23). Identifiers: Orphanet 475, MedGen C4084822, MONDO:0014664, OMIM 616490.

Submission:

Labcorp Genetics (formerly Invitae), Labcorp
Classification: Uncertain significance for Joubert syndrome 23; Short-rib thoracic dysplasia 14 with polydactyly. Last evaluated: 2025-06-12. Review status: criteria provided, single submitter. Criteria: Invitae Variant Classification Sherloc (09022015). Collection method: clinical testing. Allele origin: germline.
Comment: This sequence change replaces proline, which is neutral and non-polar, with leucine, which is neutral and non-polar, at codon 184 of the KIAA0586 protein (p.Pro184Leu). The frequency data for this variant in the population databases is considered unreliable, as metrics indicate poor data quality at this position in the gnomAD database. This variant has not been reported in the literature in individuals affected with KIAA0586-related conditions. ClinVar contains an entry for this variant (Variation ID: 1358150). An algorithm developed to predict the effect of missense changes on protein structure and function outputs the following: PolyPhen-2: "Benign". The leucine amino acid residue is found in multiple mammalian species, which suggests that this missense change does not adversely affect protein function. In summary, the available evidence is currently insufficient to determine the role of this variant in disease. Therefore, it has been classified as a Variant of Uncertain Significance.